The following is an entry in ClinVar:

NM_000051.4(ATM):c.3699_3703del (p.Pro1235fs)

Gene: ATM (ATM serine/threonine kinase; plus strand). Cytogenetic location: 11q22.3.
Variant type: Deletion.
Coding change: c.3699_3703del on transcript NM_000051.4 (MANE Select); coding-DNA positions 3699 to 3703, 5 bases deleted (TTTTC; older notation c.3699_3703delTTTTC).
Protein change: p.Pro1235fs; shifts the reading frame from proline 1235.
Molecular consequence: frameshift variant.
Genome position (GRCh38, 1-based): chr11:108,282,832-108,282,836, TTTTC deleted; deleting any 5 consecutive bases within chr11:108,282,829-108,282,836 gives the same sequence; the c. name uses the placement nearest the transcript's 3' end. VCF-style (leftmost placement, unchanged base first): chr11-108282828-CTTCTT-C. GRCh37 (hg19) VCF-style: chr11-108153555-CTTCTT-C.
Other names: c.3699_3703del, p.Pro1235fs (NM_001351834.2); short protein forms P1235fs.
Identifiers: ClinVar variation 857635 (VCV000857635.11), dbSNP rs2082305146, ClinGen allele CA916079965.

ClinVar aggregate classification (germline): Pathogenic. Review status: criteria provided, multiple submitters, no conflicts (2 of 4 stars). 3 submissions from 3 submitters: Pathogenic (3). Last evaluated 2023-03-31.

Conditions:
Hereditary cancer-predisposing syndrome. Also called: Hereditary neoplastic syndrome; Tumor predisposition; Neoplastic Syndromes, Hereditary; Hereditary Cancer Syndrome. Identifiers: Orphanet 140162, MedGen C0027672, MeSH D009386, MONDO:0015356.
Ataxia-telangiectasia syndrome (AT). Also called: Ataxia telangiectasia (A-T); Cerebello-oculocutaneous telangiectasia; Immunodeficiency with ataxia telangiectasia; AT, COMPLEMENTATION GROUP C; ATAXIA-TELANGIECTASIA, COMPLEMENTATION GROUP A; ATAXIA-TELANGIECTASIA, FRESNO VARIANT. Identifiers: Orphanet 100, MedGen C0004135, MONDO:0008840, OMIM 208900.
Familial cancer of breast. Also called: hereditary breast carcinoma; BREAST CANCER, FAMILIAL; Hereditary breast cancer. Identifiers: Orphanet 227535, MedGen C0346153, MONDO:0016419, OMIM 114480. Disease mechanism: loss of function.

Submissions (3):

Myriad Genetics, Inc.
Classification: Pathogenic for Familial cancer of breast. Last evaluated: 2023-03-31. Review status: criteria provided, single submitter. Criteria: Myriad Autosomal Dominant, Autosomal Recessive and X-Linked Classification Criteria (2023). Collection method: clinical testing. Allele origin: unknown.
Comment: This variant is considered pathogenic. This variant creates a frameshift predicted to result in premature protein truncation.

Labcorp Genetics (formerly Invitae), Labcorp
Classification: Pathogenic for Ataxia-telangiectasia syndrome. Last evaluated: 2021-12-03. Review status: criteria provided, single submitter. Criteria: Invitae Variant Classification Sherloc (09022015). Collection method: clinical testing. Allele origin: germline.
Comment: For these reasons, this variant has been classified as Pathogenic. ClinVar contains an entry for this variant (Variation ID: 857635). This variant has not been reported in the literature in individuals affected with ATM-related conditions. This variant is not present in population databases (gnomAD no frequency). This sequence change creates a premature translational stop signal (p.Pro1235Tyrfs*9) in the ATM gene. It is expected to result in an absent or disrupted protein product. Loss-of-function variants in ATM are known to be pathogenic (PMID: 23807571, 25614872).

Color Diagnostics, LLC DBA Color Health
Classification: Pathogenic for Hereditary cancer-predisposing syndrome. Last evaluated: 2020-01-21. Review status: criteria provided, single submitter. Criteria: ACMG Guidelines, 2015. Collection method: clinical testing. Allele origin: germline.
Comment: This variant deletes 5 nucleotides in exon 25 of the ATM gene, creating a frameshift and premature translation stop signal. This variant is expected to result in an absent or non-functional protein product. Splice site prediction tools suggest that this variant may not impact RNA splicing. To our knowledge, functional studies have not been performed for this variant. This variant has not been reported in individuals affected with hereditary cancer in the literature. This variant has not been identified in the general population by the Genome Aggregation Database (gnomAD). Loss of ATM function is a known mechanism of disease. Based on the available evidence, this variant is classified as Pathogenic.

Literature cited by the submitters: PubMed 23807571 (cited by Labcorp Genetics (formerly Invitae), Labcorp); PubMed 25614872 (cited by Labcorp Genetics (formerly Invitae), Labcorp).